The following is an entry in ClinVar:

NM_018993.4(RIN2):c.1243A>C (p.Ser415Arg)

Gene: RIN2 (Ras and Rab interactor 2; plus strand). Cytogenetic location: 20p11.23.
Variant type: single nucleotide variant.
Coding change: c.1243A>C on transcript NM_018993.4 (MANE Select); coding-DNA position 1243, A replaced by C.
Protein change: p.Ser415Arg; replaces serine 415 with arginine.
Molecular consequence: missense variant.
Genome position (GRCh38, 1-based): chr20:19,975,268, A>C. VCF-style: chr20-19975268-A-C. GRCh37 (hg19) VCF-style: chr20-19955912-A-C.
Other names: c.1390A>C, p.Ser464Arg (NM_001242581.2); c.625A>C, p.Ser209Arg (NM_001378238.1); short protein forms S415R, S209R, S464R.
Identifiers: ClinVar variation 2163649 (VCV002163649.1), dbSNP rs754118569, ClinGen allele CA9780042.

ClinVar aggregate classification (germline): Uncertain significance (1 of 4 stars; one submission).

Allele frequency attached by ClinVar (database versions not stated): gnomAD 0.00001; ExAC 0.00002; TOPMed 0.00003.
gnomAD v4.1: 1 of 1,590,260 alleles (0.000063%); highest among the groups gnomAD compares: Non-Finnish European, 0.000086%; no homozygotes.

Submission:

Labcorp Genetics (formerly Invitae), Labcorp
Classification: Uncertain significance. Last evaluated: 2022-09-04. Review status: criteria provided, single submitter. Criteria: Invitae Variant Classification Sherloc (09022015). Collection method: clinical testing. Allele origin: germline.
Comment: This sequence change replaces serine, which is neutral and polar, with arginine, which is basic and polar, at codon 415 of the RIN2 protein (p.Ser415Arg). The frequency data for this variant in the population databases is considered unreliable, as metrics indicate poor data quality at this position in the gnomAD database. This variant has not been reported in the literature in individuals affected with RIN2-related conditions. Algorithms developed to predict the effect of missense changes on protein structure and function are either unavailable or do not agree on the potential impact of this missense change (SIFT: "Tolerated"; PolyPhen-2: "Not Available"; Align-GVGD: "Class C0"). In summary, the available evidence is currently insufficient to determine the role of this variant in disease. Therefore, it has been classified as a Variant of Uncertain Significance.